The following is an entry in ClinVar:

NM_001013838.3(CARMIL2):c.1222C>A (p.Pro408Thr)

Gene: CARMIL2 (capping protein regulator and myosin 1 linker 2; plus strand). Cytogenetic location: 16q22.1.
Variant type: single nucleotide variant.
Coding change: c.1222C>A on transcript NM_001013838.3 (MANE Select); coding-DNA position 1222, C replaced by A.
Protein change: p.Pro408Thr; replaces proline 408 with threonine.
Molecular consequence: missense variant. On other transcripts: intron variant (1).
Genome position (GRCh38, 1-based): chr16:67,648,202, C>A. VCF-style: chr16-67648202-C-A. GRCh37 (hg19) VCF-style: chr16-67682105-C-A.
Other names: c.1150-36C>A (NM_001317026.3); short protein forms P408T.
Identifiers: ClinVar variation 1043018 (VCV001043018.8), dbSNP rs535663690, ClinGen allele CA396335469.

ClinVar aggregate classification (germline): Uncertain significance (1 of 4 stars; one submission).

Allele frequency attached by ClinVar (database versions not stated): gnomAD 0.00001.

Submission:

Labcorp Genetics (formerly Invitae), Labcorp
Classification: Uncertain significance. Last evaluated: 2020-10-14. Review status: criteria provided, single submitter. Criteria: Invitae Variant Classification Sherloc (09022015). Collection method: clinical testing. Allele origin: germline.
Comment: This variant is not present in population databases (ExAC no frequency). In summary, the available evidence is currently insufficient to determine the role of this variant in disease. Therefore, it has been classified as a Variant of Uncertain Significance. Algorithms developed to predict the effect of missense changes on protein structure and function are either unavailable or do not agree on the potential impact of this missense change (SIFT: "Deleterious"; PolyPhen-2: "Benign"; Align-GVGD: "Class C0"). This variant has not been reported in the literature in individuals with CARMIL2-related conditions. This sequence change replaces proline with threonine at codon 408 of the CARMIL2 protein (p.Pro408Thr). The proline residue is weakly conserved and there is a small physicochemical difference between proline and threonine.